The following is an entry in ClinVar:

ClinVar aggregate classification (germline): Uncertain significance. Review status: criteria provided, multiple submitters, no conflicts (2 of 4 stars). 3 submissions from 3 submitters: Uncertain significance (2). 1 of the submissions does not count toward it. Last evaluated 2023-08-08.

Conditions:
Ataxia-telangiectasia syndrome (AT). Also called: Ataxia-telangiectasia, complementation group D; AT, COMPLEMENTATION GROUP C; Ataxia telangiectasia (A-T); Cerebello-oculocutaneous telangiectasia; Immunodeficiency with ataxia telangiectasia; Ataxia-telangiectasia. Identifiers: Orphanet 100, MedGen C0004135, MONDO:0008840, OMIM 208900.
ATM-related disorder. Also called: ATM-related disorders; ATM-related condition.

Submissions (3):

Labcorp Genetics (formerly Invitae), Labcorp
Classification: Uncertain significance for Ataxia-telangiectasia syndrome. Last evaluated: 2023-08-08. Review status: criteria provided, single submitter. Criteria: Invitae Variant Classification Sherloc (09022015). Collection method: clinical testing. Allele origin: germline.
Comment: In summary, the available evidence is currently insufficient to determine the role of this variant in disease. Therefore, it has been classified as a Variant of Uncertain Significance. An algorithm developed to predict the effect of missense changes on protein structure and function (PolyPhen-2) suggests that this variant is likely to be disruptive. ClinVar contains an entry for this variant (Variation ID: 839923). This variant has not been reported in the literature in individuals affected with ATM-related conditions. This variant is not present in population databases (gnomAD no frequency). This sequence change replaces alanine, which is neutral and non-polar, with serine, which is neutral and polar, at codon 1658 of the ATM protein (p.Ala1658Ser).

PreventionGenetics, part of Exact Sciences
Classification: Uncertain significance for ATM-related condition. Last evaluated: 2023-04-27. Review status: criteria provided, single submitter. Criteria: ACMG Guidelines, 2015. Collection method: clinical testing. Allele origin: germline.
Comment: The ATM c.4972G>T variant is predicted to result in the amino acid substitution p.Ala1658Ser. To our knowledge, this variant has not been reported in the literature or in a large population database, indicating this variant is rare. It is interpreted as uncertain significance in ClinVar. At this time, the clinical significance of this variant is uncertain due to the absence of conclusive functional and genetic evidence.

Natera, Inc.
Classification: Uncertain significance for Ataxia-telangiectasia. Last evaluated: 2021-09-09. Review status: no assertion criteria provided. Collection method: clinical testing. Allele origin: germline. Not counted in ClinVar's aggregate classification.

NM_000051.4(ATM):c.4972G>T (p.Ala1658Ser)

Gene: ATM (ATM serine/threonine kinase; plus strand). Cytogenetic location: 11q22.3.
Variant type: single nucleotide variant.
Coding change: c.4972G>T on transcript NM_000051.4 (MANE Select); coding-DNA position 4972, G replaced by T.
Protein change: p.Ala1658Ser; replaces alanine 1658 with serine.
Molecular consequence: missense variant.
Genome position (GRCh38, 1-based): chr11:108,297,349, G>T. VCF-style: chr11-108297349-G-T. GRCh37 (hg19) VCF-style: chr11-108168076-G-T.
Other names: c.4972G>T, p.Ala1658Ser (NM_001351834.2); short protein forms A1658S.
Identifiers: ClinVar variation 839923 (VCV000839923.14), dbSNP rs372679141, ClinGen allele CA382538413.